The following is an entry in ClinVar:

NM_001130987.2(DYSF):c.4387+1del

Gene: DYSF (dysferlin; plus strand). Cytogenetic location: 2p13.2.
Variant type: Deletion.
Coding change: c.4387+1del on transcript NM_001130987.2 (MANE Select); the canonical splice donor site of the intron after coding-DNA position 4387, one base deleted (G; older notation c.4387+1delG).
Molecular consequence: splice donor variant.
Genome position (GRCh38, 1-based): chr2:71,612,807, G deleted; the last of 2 consecutive G bases (chr2:71,612,806-71,612,807); deleting either gives the same sequence. VCF-style (leftmost placement, unchanged base first): chr2-71612805-AG-A. GRCh37 (hg19) VCF-style: chr2-71839935-AG-A.
Other names: c.4426+1del (NM_001130979.2); c.4384+1del (NM_001130981.2, NM_001130980.2); c.4333+1del (NM_001130978.2, NM_003494.4); c.4291+1del (NM_001130977.2, NM_001130976.2); c.4429+1del (NM_001130982.2); c.4387+1del (NM_001130985.2); c.4336+1del (NM_001130983.2, NM_001130455.2); c.4294+1del (NM_001130984.2, NM_001130986.2).
Identifiers: ClinVar variation 5003860 (VCV005003860.1).
Genomic context (GRCh38, chr2:71,612,805, plus strand): 5'-CCTGGAGAGCTTCCTGTGTGACCCCTACTCGGCGGAGAGTCCATCCCCACAGGGTGGCCC[AG>A]GTAGGGGAAGGGGAGATGATGGGCAGGTCAGGGAAGGGGGAGCCTCAGGGCCAAGCTACC-3'

ClinVar aggregate classification (germline): Likely pathogenic (1 of 4 stars; one submission).

Conditions:
Autosomal recessive limb-girdle muscular dystrophy. Identifiers: Orphanet 102015, MedGen C2931907, MONDO:0015152.

Submission:

Myriad Genetics, Inc.
Classification: Likely pathogenic for Autosomal recessive limb-girdle muscular dystrophy. Last evaluated: 2025-07-24. Review status: criteria provided, single submitter. Criteria: Myriad Autosomal Dominant, Autosomal Recessive and X-Linked Classification Criteria (2023). Collection method: clinical testing. Allele origin: unknown.
Comment: NM_003494.3(DYSF):c.4333+1delG is a variant in a canonical splice site classified as likely pathogenic in the context of dysferlinopathy. c.4333+1delG has not been observed in cases with relevant disease. Relevant functional assessments of this variant are not available in the literature. c.4333+1delG has not been observed in referenced population frequency databases. In summary, NM_003494.3(DYSF):c.4333+1delG is a variant in a canonical splice site in a gene where loss of function is a known mechanism of disease and is predicted to disrupt protein function. Please note: this variant was assessed in the context of healthy population screening.